The following is an entry in ClinVar:

ClinVar aggregate classification (germline): Pathogenic (1 of 4 stars; one submission).

Conditions:
Primary ciliary dyskinesia. Also called: Ciliary dyskinesia. Identifiers: Orphanet 244, MedGen C0008780, MONDO:0016575, HP:0012265.

Allele frequency attached by ClinVar (database versions not stated): gnomAD exomes below 0.00001.
gnomAD v4.1: 2 of 1,552,400 alleles (0.00013%); highest among the groups gnomAD compares: Non-Finnish European, 0.00017%; no homozygotes.

Submission:

Labcorp Genetics (formerly Invitae), Labcorp
Classification: Pathogenic for Primary ciliary dyskinesia. Last evaluated: 2023-02-01. Review status: criteria provided, single submitter. Criteria: Invitae Variant Classification Sherloc (09022015). Collection method: clinical testing. Allele origin: germline.
Comment: The frequency data for this variant in the population databases is considered unreliable, as metrics indicate poor data quality at this position in the gnomAD database. For these reasons, this variant has been classified as Pathogenic. Algorithms developed to predict the effect of sequence changes on RNA splicing suggest that this variant may disrupt the consensus splice site. Disruption of this splice site has been observed in individual(s) with primary ciliary dyskinesia (PMID: 33577779). This sequence change affects a donor splice site in intron 9 of the CCDC39 gene. It is expected to disrupt RNA splicing. Variants that disrupt the donor or acceptor splice site typically lead to a loss of protein function (PMID: 16199547), and loss-of-function variants in CCDC39 are known to be pathogenic (PMID: 21131972, 23255504).

Literature cited by the submitters: PubMed 33577779; PubMed 16199547; PubMed 21131972; PubMed 23255504.

NM_181426.2(CCDC39):c.1167+1G>A

Gene: CCDC39 (coiled-coil domain 39 molecular ruler complex subunit; minus strand). Cytogenetic location: 3q26.33.
Variant type: single nucleotide variant.
Coding change: c.1167+1G>A on transcript NM_181426.2 (MANE Select); the canonical splice donor site of the intron after coding-DNA position 1167, G replaced by A.
Molecular consequence: splice donor variant.
Genome position (GRCh38, 1-based): chr3:180,651,400, C>T on the plus strand (G>A on the coding strand, the complement: CCDC39 is on the minus strand). VCF-style: chr3-180651400-C-T. GRCh37 (hg19) VCF-style: chr3-180369188-C-T.
Identifiers: ClinVar variation 2982237 (VCV002982237.3), dbSNP rs1292030955, ClinGen allele CA355298517.